The following is an entry in ClinVar:

NM_003482.4(KMT2D):c.8788C>T (p.Pro2930Ser)

Gene: KMT2D (lysine methyltransferase 2D; minus strand). Cytogenetic location: 12q13.12.
Variant type: single nucleotide variant.
Coding change: c.8788C>T on transcript NM_003482.4 (MANE Select); coding-DNA position 8788, C replaced by T.
Protein change: p.Pro2930Ser; replaces proline 2930 with serine.
Molecular consequence: missense variant.
Genome position (GRCh38, 1-based): chr12:49,038,568, G>A on the plus strand (C>T on the coding strand, the complement: KMT2D is on the minus strand). VCF-style: chr12-49038568-G-A. GRCh37 (hg19) VCF-style: chr12-49432351-G-A.
Other names: short protein forms P2930S.
Identifiers: ClinVar variation 2977412 (VCV002977412.4), dbSNP rs1943336108, ClinGen allele CA384740893.

ClinVar aggregate classification (germline): Uncertain significance. Review status: criteria provided, multiple submitters, no conflicts (2 of 4 stars). 2 submissions from 2 submitters: Uncertain significance (2). Last evaluated 2025-04-25.

Conditions:
Kabuki syndrome. Also called: Kabuki make-up syndrome; NIIKAWA-KUROKI SYNDROME. Identifiers: Orphanet 2322, MedGen C0796004, MONDO:0016512.
KMT2D-related disorder. Also called: KMT2D-Related Disorders.

Allele frequency attached by ClinVar (database versions not stated): gnomAD exomes below 0.00001; TOPMed below 0.00001.
gnomAD v4.1: 2 of 1,612,546 alleles (0.00012%); highest among the groups gnomAD compares: Non-Finnish European, 0.00017%; no homozygotes.

Submissions (2):

PreventionGenetics, part of Exact Sciences
Classification: Uncertain significance for KMT2D-related condition. Last evaluated: 2025-04-25. Review status: criteria provided, single submitter. Criteria: ACMG Guidelines, 2015. Collection method: clinical testing. Allele origin: germline.
Comment: The KMT2D c.8788C>T variant is predicted to result in the amino acid substitution p.Pro2930Ser. To our knowledge, this variant has not been reported in the literature or in a large population database (gnomAD), indicating this variant is rare. At this time, the clinical significance of this variant is uncertain due to the absence of conclusive functional and genetic evidence.

Labcorp Genetics (formerly Invitae), Labcorp
Classification: Uncertain significance for Kabuki syndrome. Last evaluated: 2023-06-15. Review status: criteria provided, single submitter. Criteria: Invitae Variant Classification Sherloc (09022015). Collection method: clinical testing. Allele origin: germline.
Comment: This sequence change replaces proline, which is neutral and non-polar, with serine, which is neutral and polar, at codon 2930 of the KMT2D protein (p.Pro2930Ser). This variant is not present in population databases (gnomAD no frequency). This variant has not been reported in the literature in individuals affected with KMT2D-related conditions. Advanced modeling of protein sequence and biophysical properties (such as structural, functional, and spatial information, amino acid conservation, physicochemical variation, residue mobility, and thermodynamic stability) performed at Invitae indicates that this missense variant is not expected to disrupt KMT2D protein function. In summary, the available evidence is currently insufficient to determine the role of this variant in disease. Therefore, it has been classified as a Variant of Uncertain Significance.